The following is an entry in ClinVar:

NM_001370259.2(MEN1):c.943del (p.Asp315fs)

Gene: MEN1 (menin 1; minus strand). Cytogenetic location: 11q13.1.
Variant type: Deletion.
Coding change: c.943del on transcript NM_001370259.2 (MANE Select); coding-DNA position 943, one base deleted (G; older notation c.943delG).
Protein change: p.Asp315fs; shifts the reading frame from aspartic acid 315.
Molecular consequence: frameshift variant.
Genome position (GRCh38, 1-based): chr11:64,806,338, C deleted on the plus strand (G on the coding strand, the reverse complement: MEN1 is on the minus strand); the first of 3 consecutive C bases (chr11:64,806,338-64,806,340); deleting any one gives the same sequence. VCF-style (leftmost placement, unchanged base first): chr11-64806337-TC-T. GRCh37 (hg19) VCF-style: chr11-64573809-TC-T.
Other names: c.958del, p.Asp320fs (NM_000244.4, NM_130800.3, NM_130801.3 and 3 more transcripts); c.943del, p.Asp315fs (NM_001370251.2, NM_001370260.2, NM_001370261.2 and 1 more transcripts); c.838del, p.Asp280fs (NM_001370262.2, NM_001370263.2); c.941delG, p.Asp315Metfs (NM_001407142.1, NM_001407143.1, NM_001407144.1 and 4 more transcripts); c.956delG, p.Asp320Metfs (NM_001407145.1, NM_001407150.1); c.836delG, p.Asp280Metfs (NM_001407148.1, NM_001407149.1, NM_001407151.1); short protein forms D280fs, D315fs, D320fs.
Identifiers: ClinVar variation 1807135 (VCV001807135.6), dbSNP rs2497176019, ClinGen allele CA2580084489.
Genomic context (GRCh38, chr11:64,806,337, plus strand): 5'-CGCACATTGCGGTTGCGACAGTGGTAGCCAGCCAGGTACATGTAGGGGTAGATGTGTTCA[TC>T]CCGATAGTAGGTCTTGGCTGAGGCAATGCCCTGGATGGAGGTGAGGCAGAGGATCCTCAG-3'

ClinVar aggregate classification (germline): Pathogenic. Review status: criteria provided, multiple submitters, no conflicts (2 of 4 stars). 2 submissions from 2 submitters: Pathogenic (2). Last evaluated 2022-08-16.

Conditions:
Multiple endocrine neoplasia, type 1 (MEN1). Also called: MEN I; WERMER SYNDROME; Endocrine adenomatosis multiple; MEN 1; MEA I. Identifiers: Orphanet 652, MedGen C0025267, MeSH D018761, MONDO:0007540, OMIM 131100.

Submissions (2):

Labcorp Genetics (formerly Invitae), Labcorp
Classification: Pathogenic for Multiple endocrine neoplasia, type 1. Last evaluated: 2022-08-16. Review status: criteria provided, single submitter. Criteria: Invitae Variant Classification Sherloc (09022015). Collection method: clinical testing. Allele origin: germline.
Comment: This sequence change creates a premature translational stop signal (p.Asp315Metfs*53) in the MEN1 gene. It is expected to result in an absent or disrupted protein product. Loss-of-function variants in MEN1 are known to be pathogenic (PMID: 12112656, 17853334). This variant is not present in population databases (gnomAD no frequency). This premature translational stop signal has been observed in individual(s) with clinical features of multiple endocrine neoplasia type 1 (PMID: 30820182). This variant is also known as 941delG. For these reasons, this variant has been classified as Pathogenic.

Athena Diagnostics
Classification: Pathogenic. Last evaluated: 2022-08-11. Review status: criteria provided, single submitter. Criteria: Athena Diagnostics Criteria. Collection method: clinical testing. Allele origin: unknown.
Comment: This variant is expected to result in the loss of a functional protein. This variant has been identified in at least one individual with clinical features associated with this gene. This variant has not been reported in large, multi-ethnic general populations.

Literature cited by the submitters: PubMed 12112656 (cited by Labcorp Genetics (formerly Invitae), Labcorp); PubMed 17853334 (cited by Labcorp Genetics (formerly Invitae), Labcorp); PubMed 30820182 (cited by Labcorp Genetics (formerly Invitae), Labcorp and Athena Diagnostics); PubMed 35407574 (cited by Athena Diagnostics); PubMed 32901291 (cited by Athena Diagnostics).